The following is an entry in ClinVar:

NM_018993.4(RIN2):c.338C>A (p.Ala113Asp)

Gene: RIN2 (Ras and Rab interactor 2; plus strand). Cytogenetic location: 20p11.23.
Variant type: single nucleotide variant.
Coding change: c.338C>A on transcript NM_018993.4 (MANE Select); coding-DNA position 338, C replaced by A.
Protein change: p.Ala113Asp; replaces alanine 113 with aspartic acid.
Molecular consequence: missense variant. On other transcripts: 5 prime UTR variant (1).
Genome position (GRCh38, 1-based): chr20:19,956,794, C>A. VCF-style: chr20-19956794-C-A. GRCh37 (hg19) VCF-style: chr20-19937438-C-A.
Other names: c.485C>A, p.Ala162Asp (NM_001242581.2); c.-208C>A (NM_001378238.1); short protein forms A113D, A162D.
Identifiers: ClinVar variation 430174 (VCV000430174.2), dbSNP rs1131691814, ClinGen allele CA408356889.

ClinVar aggregate classification (germline): Uncertain significance (1 of 4 stars; one submission).

Submission:

GeneDx
Classification: Uncertain significance. Last evaluated: 2017-05-16. Review status: criteria provided, single submitter. Criteria: GeneDx Variant Classification (06012015). Collection method: clinical testing. Allele origin: germline. Affected: yes.
Comment: A variant of uncertain significance has been identified in the RIN2 gene. The A113D variant has not been published as pathogenic or been reported as benign to our knowledge. Additionally, this variant is not observed in largepopulation cohorts (Lek et al., 2016; 1000 Genomes Consortium et al., 2015; Exome Variant Server). The A113Dvariant is a non-conservative amino acid substitution, which is likely to impact secondary protein structure as theseresidues differ in polarity, charge, size and/or other properties. However, this substitution occurs at a position that isnot conserved across species and in silico analysis predicts this variant likely does not alter the proteinstructure/function.